The following is an entry in ClinVar:

NM_001365536.1(SCN9A):c.3072A>G (p.Ile1024Met)

Genes: SCN9A (sodium voltage-gated channel alpha subunit 9; minus strand), SCN1A-AS1 (SCN1A and SCN9A antisense RNA 1; plus strand). Cytogenetic location: 2q24.3.
Variant type: single nucleotide variant.
Coding change: c.3072A>G on transcript NM_001365536.1 (MANE Select); coding-DNA position 3072, A replaced by G.
Protein change: p.Ile1024Met; replaces isoleucine 1024 with methionine.
Molecular consequence: missense variant.
Genome position (GRCh38, 1-based): chr2:166,272,678, T>C on the plus strand (A>G on the coding strand, the complement: SCN9A is on the minus strand). VCF-style: chr2-166272678-T-C. GRCh37 (hg19) VCF-style: chr2-167129188-T-C.
Other names: c.3039A>G, p.Ile1013Met (NM_002977.4); short protein forms I1013M, I1024M.
Identifiers: ClinVar variation 1373370 (VCV001373370.7), dbSNP rs371662245, ClinGen allele CA1944142.

ClinVar aggregate classification (germline): Uncertain significance. Review status: criteria provided, multiple submitters, no conflicts (2 of 4 stars). 2 submissions from 2 submitters: Uncertain significance (2). Last evaluated 2025-04-13.

Conditions:
Inborn genetic diseases. Identifiers: MedGen C0950123, MeSH D030342.
Generalized epilepsy with febrile seizures plus, type 7 (GEFSP7). Also called: GEFS+, TYPE 7. Identifiers: Orphanet 36387, MedGen C2751778, MONDO:0013470, OMIM 613863.
Neuropathy, hereditary sensory and autonomic, type 2A (HSAN2A). Also called: WNK1-Related HSAN2 (HSAN2A); HSAN IIA; NEUROPATHY, CONGENITAL SENSORY; MORVAN DISEASE; NEUROPATHY, HEREDITARY SENSORY RADICULAR, AUTOSOMAL RECESSIVE; NEUROPATHY, HEREDITARY SENSORY, TYPE IIA. Identifiers: Orphanet 970, MedGen C2752089, MONDO:0024309, OMIM 201300.

Allele frequency attached by ClinVar (database versions not stated): gnomAD exomes below 0.00001 and 0.00001; gnomAD 0.00001; ExAC 0.00002; TOPMed 0.00002; ESP Exome Variant Server 0.00008.
gnomAD v4.1: 4 of 1,609,986 alleles (0.00025%); highest among the groups gnomAD compares: African/African-American, 0.0054%; no homozygotes.

Submissions (2):

Ambry Genetics
Classification: Uncertain significance for Inborn genetic diseases. Last evaluated: 2025-04-13. Review status: criteria provided, single submitter. Criteria: Ambry Variant Classification Scheme 2023. Collection method: clinical testing. Allele origin: germline.

Labcorp Genetics (formerly Invitae), Labcorp
Classification: Uncertain significance for Neuropathy, hereditary sensory and autonomic, type 2A; Generalized epilepsy with febrile seizures plus, type 7. Last evaluated: 2024-06-17. Review status: criteria provided, single submitter. Criteria: Invitae Variant Classification Sherloc (09022015). Collection method: clinical testing. Allele origin: germline.
Comment: This sequence change replaces isoleucine, which is neutral and non-polar, with methionine, which is neutral and non-polar, at codon 1013 of the SCN9A protein (p.Ile1013Met). This variant is present in population databases (rs371662245, gnomAD 0.01%). This variant has not been reported in the literature in individuals affected with SCN9A-related conditions. ClinVar contains an entry for this variant (Variation ID: 1373370). Advanced modeling of protein sequence and biophysical properties (such as structural, functional, and spatial information, amino acid conservation, physicochemical variation, residue mobility, and thermodynamic stability) performed at Invitae indicates that this missense variant is not expected to disrupt SCN9A protein function with a negative predictive value of 95%. In summary, the available evidence is currently insufficient to determine the role of this variant in disease. Therefore, it has been classified as a Variant of Uncertain Significance.